The following is an entry in ClinVar:

ClinVar aggregate classification (germline): Uncertain significance (1 of 4 stars; one submission).

Conditions:
Myofibrillar myopathy 3 (MFM3). Also called: Muscular dystrophy, proximal, type 1A; Autosomal dominant spheroid body myopathy. Identifiers: Orphanet 266, Orphanet 268129, MedGen C3714934, MONDO:0012215, OMIM 609200.

Submission:

Labcorp Genetics (formerly Invitae), Labcorp
Classification: Uncertain significance for Myofibrillar myopathy 3. Last evaluated: 2023-12-19. Review status: criteria provided, single submitter. Criteria: Invitae Variant Classification Sherloc (09022015). Collection method: clinical testing. Allele origin: germline.
Comment: This sequence change replaces phenylalanine, which is neutral and non-polar, with cysteine, which is neutral and slightly polar, at codon 247 of the MYOT protein (p.Phe247Cys). This variant is not present in population databases (gnomAD no frequency). This variant has not been reported in the literature in individuals affected with MYOT-related conditions. An algorithm developed to predict the effect of missense changes on protein structure and function (PolyPhen-2) suggests that this variant is likely to be tolerated. In summary, the available evidence is currently insufficient to determine the role of this variant in disease. Therefore, it has been classified as a Variant of Uncertain Significance.

NM_006790.3(MYOT):c.740T>G (p.Phe247Cys)

Genes: PKD2L2-DT (PKD2L2 divergent transcript; minus strand), MYOT (myotilin; plus strand). Cytogenetic location: 5q31.2.
Variant type: single nucleotide variant.
Coding change: c.740T>G on transcript NM_006790.3 (MANE Select); coding-DNA position 740, T replaced by G.
Protein change: p.Phe247Cys; replaces phenylalanine 247 with cysteine.
Molecular consequence: missense variant.
Genome position (GRCh38, 1-based): chr5:137,882,029, T>G. VCF-style: chr5-137882029-T-G. GRCh37 (hg19) VCF-style: chr5-137217718-T-G.
Other names: c.188T>G, p.Phe63Cys (NM_001135940.2); c.395T>G, p.Phe132Cys (NM_001300911.2); short protein forms F247C, F132C, F63C.
Identifiers: ClinVar variation 2872869 (VCV002872869.3), dbSNP rs2532014859, ClinGen allele CA361055239.